The following is an entry in ClinVar:

NM_177438.3(DICER1):c.4955A>G (p.His1652Arg)

Gene: DICER1 (dicer 1, ribonuclease III; minus strand). Cytogenetic location: 14q32.13.
Variant type: single nucleotide variant.
Coding change: c.4955A>G on transcript NM_177438.3 (MANE Select); coding-DNA position 4955, A replaced by G.
Protein change: p.His1652Arg; replaces histidine 1652 with arginine.
Molecular consequence: missense variant. On other transcripts: non-coding transcript variant (6).
Genome position (GRCh38, 1-based): chr14:95,095,965, T>C on the plus strand (A>G on the coding strand, the complement: DICER1 is on the minus strand). VCF-style: chr14-95095965-T-C. GRCh37 (hg19) VCF-style: chr14-95562302-T-C.
Other names: c.4955A>G, p.His1652Arg (NM_001195573.1, NM_001271282.3, NM_001291628.2 and 12 more transcripts); c.4673A>G, p.His1558Arg (NM_001395686.1); c.4550A>G, p.His1517Arg (NM_001395687.1, NM_001395688.1, NM_001395689.1 and 2 more transcripts); c.4388A>G, p.His1463Arg (NM_001395691.1); c.3272A>G, p.His1091Arg (NM_001395697.1); short protein forms H1091R, H1463R, H1517R, H1652R, H1558R.
Identifiers: ClinVar variation 4759673 (VCV004759673.1).

ClinVar aggregate classification (germline): Uncertain significance (1 of 4 stars; one submission).

Conditions:
DICER1-related tumor predisposition. Also called: DICER1-related pleuropulmonary blastoma cancer predisposition syndrome; DICER1 syndrome. Identifiers: Orphanet 284343, MedGen C3839822, MONDO:0100216.

Submission:

Labcorp Genetics (formerly Invitae), Labcorp
Classification: Uncertain significance for DICER1-related tumor predisposition. Last evaluated: 2025-08-11. Review status: criteria provided, single submitter. Criteria: Invitae Variant Classification Sherloc (09022015). Collection method: clinical testing. Allele origin: germline.
Comment: This sequence change replaces histidine, which is basic and polar, with arginine, which is basic and polar, at codon 1652 of the DICER1 protein (p.His1652Arg). This variant is not present in population databases (gnomAD no frequency). This variant has not been reported in the literature in individuals affected with DICER1-related conditions. Invitae Evidence Modeling of protein sequence and biophysical properties (such as structural, functional, and spatial information, amino acid conservation, physicochemical variation, residue mobility, and thermodynamic stability) indicates that this missense variant is not expected to disrupt DICER1 protein function with a negative predictive value of 95%. In summary, the available evidence is currently insufficient to determine the role of this variant in disease. Therefore, it has been classified as a Variant of Uncertain Significance.